The following is an entry in ClinVar:

NM_152743.4(BRAT1):c.383G>A (p.Arg128His)

Gene: BRAT1 (BRCA1 associated ATM activator 1; minus strand). Cytogenetic location: 7p22.3.
Variant type: single nucleotide variant.
Coding change: c.383G>A on transcript NM_152743.4 (MANE Select); coding-DNA position 383, G replaced by A.
Protein change: p.Arg128His; replaces arginine 128 with histidine.
Molecular consequence: missense variant. On other transcripts: non-coding transcript variant (1), intron variant (1).
Genome position (GRCh38, 1-based): chr7:2,544,956, C>T on the plus strand (G>A on the coding strand, the complement: BRAT1 is on the minus strand). VCF-style: chr7-2544956-C-T. GRCh37 (hg19) VCF-style: chr7-2584590-C-T.
Other names: c.383G>A, p.Arg128His (NM_001350626.2); c.-95-994G>A (NM_001350627.2); short protein forms R128H.
Identifiers: ClinVar variation 663993 (VCV000663993.9), dbSNP rs369391505, ClinGen allele CA4128224.

ClinVar aggregate classification (germline): Uncertain significance. Review status: criteria provided, multiple submitters, no conflicts (2 of 4 stars). 2 submissions from 2 submitters: Uncertain significance (2). Last evaluated 2026-01-12.

Conditions:
Neonatal-onset encephalopathy with rigidity and seizures. Also called: Lethal neonatal spasticity-epileptic encephalopathy syndrome. Identifiers: Orphanet 435845, MedGen C3281029, MONDO:0013784, OMIM 614498.
Inborn genetic diseases. Identifiers: MedGen C0950123, MeSH D030342.

Allele frequency attached by ClinVar (database versions not stated): gnomAD exomes 0.00001; TOPMed 0.00001; gnomAD 0.00003; ExAC 0.00005; ESP Exome Variant Server 0.00008.
gnomAD v4.1: 12 of 1,559,724 alleles (0.00077%); highest among the groups gnomAD compares: African/African-American, 0.0014%; no homozygotes.

Submissions (2):

Labcorp Genetics (formerly Invitae), Labcorp
Classification: Uncertain significance for Neonatal-onset encephalopathy with rigidity and seizures. Last evaluated: 2026-01-12. Review status: criteria provided, single submitter. Criteria: Invitae Variant Classification Sherloc (09022015). Collection method: clinical testing. Allele origin: germline.
Comment: This sequence change replaces arginine, which is basic and polar, with histidine, which is basic and polar, at codon 128 of the BRAT1 protein (p.Arg128His). The frequency data for this variant in the population databases is considered unreliable, as metrics indicate poor data quality at this position in the gnomAD database. This variant has not been reported in the literature in individuals affected with BRAT1-related conditions. ClinVar contains an entry for this variant (Variation ID: 663993). Invitae Evidence Modeling of protein sequence and biophysical properties (such as structural, functional, and spatial information, amino acid conservation, physicochemical variation, residue mobility, and thermodynamic stability) indicates that this missense variant is not expected to disrupt BRAT1 protein function with a negative predictive value of 95%. In summary, the available evidence is currently insufficient to determine the role of this variant in disease. Therefore, it has been classified as a Variant of Uncertain Significance.

Ambry Genetics
Classification: Uncertain significance for Inborn genetic diseases. Last evaluated: 2024-01-03. Review status: criteria provided, single submitter. Criteria: Ambry Variant Classification Scheme 2023. Collection method: clinical testing. Allele origin: germline.